The following is an entry in ClinVar:

NM_003620.4(PPM1D):c.1225A>G (p.Met409Val)

Gene: PPM1D (protein phosphatase, Mg2+/Mn2+ dependent 1D; plus strand). Cytogenetic location: 17q23.2.
Variant type: single nucleotide variant.
Coding change: c.1225A>G on transcript NM_003620.4 (MANE Select); coding-DNA position 1225, A replaced by G.
Protein change: p.Met409Val; replaces methionine 409 with valine.
Molecular consequence: missense variant.
Genome position (GRCh38, 1-based): chr17:60,656,806, A>G. VCF-style: chr17-60656806-A-G. GRCh37 (hg19) VCF-style: chr17-58734167-A-G.
Other names: short protein forms M409V.
Identifiers: ClinVar variation 1997651 (VCV001997651.4), dbSNP rs2544465733, ClinGen allele CA400451674.

ClinVar aggregate classification (germline): Uncertain significance (1 of 4 stars; one submission).

Submission:

Labcorp Genetics (formerly Invitae), Labcorp
Classification: Uncertain significance. Last evaluated: 2022-05-21. Review status: criteria provided, single submitter. Criteria: Invitae Variant Classification Sherloc (09022015). Collection method: clinical testing. Allele origin: germline.
Comment: In summary, the available evidence is currently insufficient to determine the role of this variant in disease. Therefore, it has been classified as a Variant of Uncertain Significance. Algorithms developed to predict the effect of missense changes on protein structure and function (SIFT, PolyPhen-2, Align-GVGD) all suggest that this variant is likely to be tolerated. This sequence change replaces methionine, which is neutral and non-polar, with valine, which is neutral and non-polar, at codon 409 of the PPM1D protein (p.Met409Val). This variant is not present in population databases (gnomAD no frequency). This variant has not been reported in the literature in individuals affected with PPM1D-related conditions.